The following is an entry in ClinVar:

ClinVar aggregate classification (germline): Pathogenic (1 of 4 stars; one submission).

Submission:

Quest Diagnostics Nichols Institute San Juan Capistrano
Classification: Pathogenic. Last evaluated: 2024-02-21. Review status: criteria provided, single submitter. Criteria: ACMG/ClinGen CNV Guidelines, 2019. Collection method: clinical testing. Allele origin: unknown.
Comment: This loss involves the 5’ UTR (NM_002552.5) of ORC4 (OMIM 603056) and the first two exons (non-coding) (NM_018328.5) of MBD5 (OMIM 611472). Haploinsufficiency of MBD5 is associated with autosomal dominant intellectual developmental disorder 1 (OMIM 156200; CCID:007440; Mullegama 2022). There are several patients that have a similar partial deletion of MBD5 (Myers 2021, Ohori 2021, Tadros 2017, Bonnet 2013, Chau 2020, D’Abate 2019, Fry 2016, Papuc 2019). There are no similar copy number losses of this region in the general populations of the Database of Genomic Variants. Thus, this copy number variant is classified as pathogenic. References: Bonnet et al., Eur J Hum Genet. 2013 Dec;21(12):1457-61. PMID: 23422940; Chau et al., Hum Genet. 2020 Nov;139(11):1403-1415. PMID: 32451733; D’Abate et al., Nat Commun. 2019 Dec 5;10(1):5519. PMID: 31801954; Fry et al., BMC Med Genet. 2016 Apr 26;17(1):34. PMID: 27113213; Mullegama et al., GeneReviews. [2022 Apr 28]. PMID: 27786435 Myers et al., Neurol Genet. 2021 Mar 18;7(2):e579. PMID: 33912662. Ohori et al., J Hum Genet. 2021 Jul;66(7):697-705. PMID: 33510365. Papuc et al., Eur J Hum Genet. 2019 Mar;27(3):408-421. PMID: 30552426. Tadros et al., Mol Genet Genomic Med. 2017 Aug 8;5(5):608-613. PMID: 28944244

GRCh37/hg19 2q23.1(chr2:148778444-148923077)x1

Genes: MBD5 (methyl-CpG binding domain protein 5; plus strand), ORC4 (origin recognition complex subunit 4; minus strand). Cytogenetic location: 2q23.1.
Variant type: copy number loss.
Change: copy number 1 (one copy instead of two) of chr2:148,778,444-148,923,077 (144.6 kb, GRCh37 coordinates, 1-based), cytogenetic band 2q23.1.
Identifiers: ClinVar variation 3391875 (VCV003391875.1).